The following is an entry in ClinVar:

ClinVar aggregate classification (germline): Uncertain significance. Review status: criteria provided, multiple submitters, no conflicts (2 of 4 stars). 2 submissions from 2 submitters: Uncertain significance (2). Last evaluated 2022-04-25.

Conditions:
Polycystic kidney disease 2 (PKD2). Also called: POLYCYSTIC KIDNEY DISEASE 2 WITH OR WITHOUT POLYCYSTIC LIVER DISEASE; Polycystic Kidney Disease 2, Autosomal Dominant; POLYCYSTIC KIDNEY DISEASE, ADULT, TYPE II. Identifiers: MedGen C2751306, MONDO:0013131, OMIM 613095.
Autosomal dominant polycystic kidney disease. Identifiers: Orphanet 730, MedGen C0085413, MONDO:0004691.

Allele frequency attached by ClinVar (database versions not stated): gnomAD exomes 0.00002; TOPMed 0.00002.

Submissions (2):

Fulgent Genetics
Classification: Uncertain significance for Polycystic kidney disease 2. Last evaluated: 2022-04-25. Review status: criteria provided, single submitter. Criteria: ACMG Guidelines, 2015. Collection method: clinical testing. Allele origin: unknown.

Labcorp Genetics (formerly Invitae), Labcorp
Classification: Uncertain significance for Autosomal dominant polycystic kidney disease. Last evaluated: 2018-12-19. Review status: criteria provided, single submitter. Criteria: Invitae Variant Classification Sherloc (09022015). Collection method: clinical testing. Allele origin: germline.
Comment: Algorithms developed to predict the effect of missense changes on protein structure and function (SIFT, PolyPhen-2, Align-GVGD) all suggest that this variant is likely to be tolerated, but these predictions have not been confirmed by published functional studies and their clinical significance is uncertain. In summary, the available evidence is currently insufficient to determine the role of this variant in disease. Therefore, it has been classified as a Variant of Uncertain Significance. This variant has not been reported in the literature in individuals with PKD2-related conditions. The frequency data for this variant in the population databases is considered unreliable, as metrics indicate insufficient coverage at this position in the ExAC database. This sequence change replaces glycine with alanine at codon 196 of the PKD2 protein (p.Gly196Ala). The glycine residue is weakly conserved and there is a small physicochemical difference between glycine and alanine.

NM_000297.4(PKD2):c.587G>C (p.Gly196Ala)

Genes: PKD2 (polycystin 2, transient receptor potential cation channel; plus strand), LOC129992813 (ATAC-STARR-seq lymphoblastoid silent region 15559; plus strand). Cytogenetic location: 4q22.1.
Variant type: single nucleotide variant.
Coding change: c.587G>C on transcript NM_000297.4 (MANE Select); coding-DNA position 587, G replaced by C.
Protein change: p.Gly196Ala; replaces glycine 196 with alanine.
Molecular consequence: missense variant. On other transcripts: non-coding transcript variant (1).
Genome position (GRCh38, 1-based): chr4:88,008,320, G>C. VCF-style: chr4-88008320-G-C. GRCh37 (hg19) VCF-style: chr4-88929472-G-C.
Other names: short protein forms G196A.
Identifiers: ClinVar variation 643620 (VCV000643620.10), dbSNP rs1377684533, ClinGen allele CA357627234.